The following is an entry in ClinVar:

ClinVar aggregate classification (germline): Uncertain significance (1 of 4 stars; one submission).

Submission:

GeneDx
Classification: Uncertain significance. Last evaluated: 2025-08-07. Review status: criteria provided, single submitter. Criteria: GeneDx Variant Classification Process June 2021. Collection method: clinical testing. Allele origin: germline. Affected: yes.
Comment: Not observed at significant frequency in large population cohorts (gnomAD); Nonsense variant predicted to result in protein truncation or nonsense mediated decay in a gene or region of a gene for which loss of function is not a well-established mechanism of disease; Has not been previously published as pathogenic or benign to our knowledge

NM_144973.4(DENND5B):c.3018G>A (p.Trp1006Ter)

Gene: DENND5B (DENN domain containing 5B; minus strand). Cytogenetic location: 12p11.21.
Variant type: single nucleotide variant.
Coding change: c.3018G>A on transcript NM_144973.4 (MANE Select); coding-DNA position 3018, G replaced by A.
Protein change: p.Trp1006Ter; replaces tryptophan 1006 with a stop codon.
Molecular consequence: nonsense.
Genome position (GRCh38, 1-based): chr12:31,399,704, C>T on the plus strand (G>A on the coding strand, the complement: DENND5B is on the minus strand). VCF-style: chr12-31399704-C-T. GRCh37 (hg19) VCF-style: chr12-31552638-C-T.
Other names: c.3123G>A, p.Trp1041Ter (NM_001308339.2); short protein forms W1006*, W1041*.
Identifiers: ClinVar variation 4755653 (VCV004755653.1).
Genomic context (GRCh38, chr12:31,399,704, plus strand): 5'-ATTTACTTACCTGTATGTATGTCCTGTGATTTCATTTCTGACCATGACACAATCCACTAG[C>T]CATTTGGCTAACAGTCCTGAGTTATCGTGACCAATCTGAACAGTGGTCAGCTTCCCCAAG-3'